The following is an entry in ClinVar:

NM_014444.5(TUBGCP4):c.1843G>T (p.Val615Leu)

Genes: TP53BP1 (tumor protein p53 binding protein 1; minus strand), TUBGCP4 (tubulin gamma complex component 4; plus strand). Cytogenetic location: 15q15.3.
Variant type: single nucleotide variant.
Coding change: c.1843G>T on transcript NM_014444.5 (MANE Select); coding-DNA position 1843, G replaced by T.
Protein change: p.Val615Leu; replaces valine 615 with leucine.
Molecular consequence: missense variant. On other transcripts: 3 prime UTR variant (5).
Genome position (GRCh38, 1-based): chr15:43,403,794, G>T. VCF-style: chr15-43403794-G-T. GRCh37 (hg19) VCF-style: chr15-43695992-G-T.
Other names: c.1846G>T, p.Val616Leu (NM_001286414.3); c.*3589C>A (NM_001141979.3, NM_001141980.3, NM_001355001.2 and 2 more transcripts); short protein forms V615L, V616L.
Identifiers: ClinVar variation 848433 (VCV000848433.7), dbSNP rs760614831, ClinGen allele CA7524210.

ClinVar aggregate classification (germline): Uncertain significance (1 of 4 stars; one submission).

Allele frequency attached by ClinVar (database versions not stated): ExAC 0.00001; gnomAD 0.00003; gnomAD exomes 0.00005.
gnomAD v4.1: 33 of 1,612,470 alleles (0.002%); highest among the groups gnomAD compares: African/African-American, 0.0013%; no homozygotes.

Submission:

Labcorp Genetics (formerly Invitae), Labcorp
Classification: Uncertain significance. Last evaluated: 2022-07-19. Review status: criteria provided, single submitter. Criteria: Invitae Variant Classification Sherloc (09022015). Collection method: clinical testing. Allele origin: germline.
Comment: This sequence change replaces valine, which is neutral and non-polar, with leucine, which is neutral and non-polar, at codon 616 of the TUBGCP4 protein (p.Val616Leu). This variant is present in population databases (rs760614831, gnomAD 0.1%). This variant has not been reported in the literature in individuals affected with TUBGCP4-related conditions. ClinVar contains an entry for this variant (Variation ID: 848433). Algorithms developed to predict the effect of missense changes on protein structure and function (SIFT, PolyPhen-2, Align-GVGD) all suggest that this variant is likely to be tolerated. In summary, the available evidence is currently insufficient to determine the role of this variant in disease. Therefore, it has been classified as a Variant of Uncertain Significance.